The following is an entry in ClinVar:

ClinVar aggregate classification (germline): Uncertain significance (1 of 4 stars; one submission).

gnomAD v4.1: 1 of 1,578,286 alleles (0.000063%); highest among the groups gnomAD compares: Non-Finnish European, 0.000086%; no homozygotes.

Submission:

CeGaT Center for Human Genetics Tuebingen
Classification: Uncertain significance. Last evaluated: 2022-05-01. Review status: criteria provided, single submitter. Criteria: CeGaT Center For Human Genetics Tuebingen Variant Classification Criteria Version 2. Collection method: clinical testing. Allele origin: germline. Affected: yes. Observed: 1 variant allele.
Comment: SIX3: PM2, PP3

NM_005413.4(SIX3):c.821C>T (p.Ala274Val)

Gene: SIX3 (SIX homeobox 3; plus strand). Cytogenetic location: 2p21.
Variant type: single nucleotide variant.
Coding change: c.821C>T on transcript NM_005413.4 (MANE Select); coding-DNA position 821, C replaced by T.
Protein change: p.Ala274Val; replaces alanine 274 with valine.
Molecular consequence: missense variant.
Genome position (GRCh38, 1-based): chr2:44,944,582, C>T. VCF-style: chr2-44944582-C-T. GRCh37 (hg19) VCF-style: chr2-45171721-C-T.
Other names: short protein forms A274V.
Identifiers: ClinVar variation 2650865 (VCV002650865.24), dbSNP rs2466518340, ClinGen allele CA346800455.